The following is an entry in ClinVar:

NM_003052.5(SLC34A1):c.1115T>C (p.Met372Thr)

Gene: SLC34A1 (solute carrier family 34 member 1; plus strand). Cytogenetic location: 5q35.3.
Variant type: single nucleotide variant.
Coding change: c.1115T>C on transcript NM_003052.5 (MANE Select); coding-DNA position 1115, T replaced by C.
Protein change: p.Met372Thr; replaces methionine 372 with threonine.
Molecular consequence: missense variant.
Genome position (GRCh38, 1-based): chr5:177,394,136, T>C. VCF-style: chr5-177394136-T-C. GRCh37 (hg19) VCF-style: chr5-176821137-T-C.
Other names: short protein forms M372T.
Identifiers: ClinVar variation 2091258 (VCV002091258.2), dbSNP rs755038367, ClinGen allele CA3580649.
Genomic context (GRCh38, chr5:177,394,136, plus strand): 5'-TCATCCTGCTGGCAGGATCCCTGGTGCTGCTGTGCACCTGCCTCATCCTCCTAGTCAAGA[T>C]GCTCAACTCCCTGCTCAAGGGCCAAGTGGCCAAGGTCATCCAGAAGGTCATCAATACGGG-3'
Protein context (NP_003043.3, residues 362-382): LCTCLILLVK[Met372Thr]LNSLLKGQVA

ClinVar aggregate classification (germline): Uncertain significance (1 of 4 stars; one submission).

Allele frequency attached by ClinVar (database versions not stated): ExAC 0.00001.
gnomAD v4.1: 5 of 1,614,090 alleles (0.00031%); highest among the groups gnomAD compares: Non-Finnish European, 0.00042%; no homozygotes.

Submission:

Labcorp Genetics (formerly Invitae), Labcorp
Classification: Uncertain significance. Last evaluated: 2022-02-21. Review status: criteria provided, single submitter. Criteria: Invitae Variant Classification Sherloc (09022015). Collection method: clinical testing. Allele origin: germline.
Comment: This variant is present in population databases (rs755038367, gnomAD 0.0009%). This sequence change replaces methionine, which is neutral and non-polar, with threonine, which is neutral and polar, at codon 372 of the SLC34A1 protein (p.Met372Thr). This variant has not been reported in the literature in individuals affected with SLC34A1-related conditions. In summary, the available evidence is currently insufficient to determine the role of this variant in disease. Therefore, it has been classified as a Variant of Uncertain Significance. Algorithms developed to predict the effect of missense changes on protein structure and function output the following: SIFT: "Deleterious"; PolyPhen-2: "Benign"; Align-GVGD: "Class C25". The threonine amino acid residue is found in multiple mammalian species, which suggests that this missense change does not adversely affect protein function.